The following is an entry in ClinVar:

NM_001193313.2(SUGCT):c.478A>C (p.Ile160Leu)

Gene: SUGCT (succinyl-CoA:glutarate-CoA transferase; plus strand). Cytogenetic location: 7p14.1.
Variant type: single nucleotide variant.
Coding change: c.478A>C on transcript NM_001193313.2 (MANE Select); coding-DNA position 478, A replaced by C.
Protein change: p.Ile160Leu; replaces isoleucine 160 with leucine.
Molecular consequence: missense variant.
Genome position (GRCh38, 1-based): chr7:40,195,054, A>C. VCF-style: chr7-40195054-A-C. GRCh37 (hg19) VCF-style: chr7-40234653-A-C.
Other names: c.478A>C, p.Ile160Leu (NM_001193311.2, NM_001193312.2); c.367A>C, p.Ile123Leu (NM_024728.3); c.499A>C (NM_001193311.1); short protein forms I123L, I160L.
Identifiers: ClinVar variation 1635343 (VCV001635343.11), dbSNP rs138102615, ClinGen allele CA4229473.

ClinVar aggregate classification (germline): Conflicting classifications of pathogenicity. Review status: criteria provided, conflicting classifications (1 of 4 stars). 3 submissions from 3 submitters: Uncertain significance (1); Benign (1). 1 of the submissions does not count toward it. Last evaluated 2026-01-25.

Conditions:
SUGCT-related disorder. Also called: SUGCT-related condition.

Allele frequency attached by ClinVar (database versions not stated): gnomAD 0.00042 and 0.00070; TOPMed 0.00091; ExAC 0.00153; gnomAD exomes 0.00154; 1000 Genomes Project 0.00359; 1000 Genomes Project 30x 0.00390.
gnomAD v4.1: 955 of 1,612,632 alleles (0.059%); highest among the groups gnomAD compares: East Asian, 1.5%; 5 homozygotes.

Submissions (3):

Labcorp Genetics (formerly Invitae), Labcorp
Classification: Benign. Last evaluated: 2026-01-25. Review status: criteria provided, single submitter. Criteria: Invitae Variant Classification Sherloc (09022015). Collection method: clinical testing. Allele origin: germline.

Mendelics
Classification: Uncertain significance. Last evaluated: 2022-05-04. Review status: criteria provided, single submitter. Criteria: Mendelics Assertion Criteria 2019. Collection method: clinical testing. Allele origin: germline.

PreventionGenetics, part of Exact Sciences
Classification: Likely benign for SUGCT-related condition. Last evaluated: 2019-06-12. Review status: no assertion criteria provided. Collection method: clinical testing. Allele origin: germline. Not counted in ClinVar's aggregate classification.
Comment: This variant is classified as likely benign based on ACMG/AMP sequence variant interpretation guidelines (Richards et al. 2015 PMID: 25741868, with internal and published modifications).